The following is an entry in ClinVar:

NM_015375.3(DSTYK):c.1877G>A (p.Arg626Gln)

Gene: DSTYK (dual serine/threonine and tyrosine protein kinase; minus strand). Cytogenetic location: 1q32.1.
Variant type: single nucleotide variant.
Coding change: c.1877G>A on transcript NM_015375.3 (MANE Select); coding-DNA position 1877, G replaced by A.
Protein change: p.Arg626Gln; replaces arginine 626 with glutamine.
Molecular consequence: missense variant.
Genome position (GRCh38, 1-based): chr1:205,161,329, C>T on the plus strand (G>A on the coding strand, the complement: DSTYK is on the minus strand). VCF-style: chr1-205161329-C-T. GRCh37 (hg19) VCF-style: chr1-205130457-C-T.
Other names: c.1877G>A, p.Arg626Gln (NM_199462.3); c.1877G>A (NM_015375.2); short protein forms R626Q.
Identifiers: ClinVar variation 1933941 (VCV001933941.9), dbSNP rs765391969, ClinGen allele CA1352724.
Genomic context (GRCh38, chr1:205,161,329, plus strand): 5'-ACATCCTGTAAAGAACAGCTTTCCAGAGAAAGGCGGGCCAGGCGGGGAGCATGATCTTTC[C>T]GAACCCTCAGCCATAGATCTTCCGTTTTCTCTAACCGGCCTGAGTGGCCAGCTTCCAGCT-3'
Protein context (NP_056190.1, residues 616-636): EKTEDLWLRV[Arg626Gln]KDHAPRLARL

ClinVar aggregate classification (germline): Uncertain significance. Review status: criteria provided, multiple submitters, no conflicts (2 of 4 stars). 3 submissions from 3 submitters: Uncertain significance (3). Last evaluated 2026-01-26.

Conditions:
Congenital anomalies of kidney and urinary tract 1. Also called: Renal hypodysplasia, nonsyndromic, 1; Congenital anomalies of kidney and urinary tract 1, susceptibility to. Identifiers: MedGen C1835826, MONDO:0012561, OMIM 610805.

Allele frequency attached by ClinVar (database versions not stated): TOPMed below 0.00001; gnomAD 0.00001; ExAC 0.00002; gnomAD exomes 0.00002.
gnomAD v4.1: 27 of 1,614,020 alleles (0.0017%); highest among the groups gnomAD compares: Non-Finnish European, 0.0021%; no homozygotes.

Submissions (3):

Labcorp Genetics (formerly Invitae), Labcorp
Classification: Uncertain significance. Last evaluated: 2026-01-26. Review status: criteria provided, single submitter. Criteria: Invitae Variant Classification Sherloc (09022015). Collection method: clinical testing. Allele origin: germline.
Comment: This sequence change replaces arginine, which is basic and polar, with glutamine, which is neutral and polar, at codon 626 of the DSTYK protein (p.Arg626Gln). This variant is present in population databases (rs765391969, gnomAD 0.004%). This variant has not been reported in the literature in individuals affected with DSTYK-related conditions. ClinVar contains an entry for this variant (Variation ID: 1933941). An algorithm developed to predict the effect of missense changes on protein structure and function (PolyPhen-2) suggests that this variant is likely to be disruptive. In summary, the available evidence is currently insufficient to determine the role of this variant in disease. Therefore, it has been classified as a Variant of Uncertain Significance.

Institute of Human Genetics, University of Leipzig Medical Center
Classification: Uncertain significance for Congenital anomalies of kidney and urinary tract 1. Last evaluated: 2024-06-12. Review status: criteria provided, single submitter. Criteria: ACMG Guidelines, 2015. Collection method: clinical testing. Allele origin: unknown. Inheritance: Autosomal dominant inheritance. Affected: yes.
Comment: Criteria applied: PM2_SUP,PP2

Ambry Genetics
Classification: Uncertain significance. Last evaluated: 2023-02-13. Review status: criteria provided, single submitter. Criteria: Ambry Variant Classification Scheme 2023. Collection method: clinical testing. Allele origin: germline.